The following is an entry in ClinVar:

NM_002474.3(MYH11):c.4031A>T (p.Glu1344Val)

Genes: NDE1 (nudE neurodevelopment protein 1; plus strand), MYH11 (myosin heavy chain 11; minus strand). Cytogenetic location: 16p13.11.
Variant type: single nucleotide variant.
Coding change: c.4031A>T on transcript NM_002474.3 (MANE Select); coding-DNA position 4031, A replaced by T.
Protein change: p.Glu1344Val; replaces glutamic acid 1344 with valine.
Molecular consequence: missense variant. On other transcripts: 3 prime UTR variant (2).
Genome position (GRCh38, 1-based): chr16:15,724,732, T>A on the plus strand (A>T on the coding strand, the complement: MYH11 is on the minus strand). VCF-style: chr16-15724732-T-A. GRCh37 (hg19) VCF-style: chr16-15818589-T-A.
Other names: c.4052A>T, p.Glu1351Val (NM_001040113.2, NM_001040114.2); c.4031A>T, p.Glu1344Val (NM_022844.3); c.*481T>A (NM_001143979.2, NM_017668.3); short protein forms E1344V, E1351V.
Identifiers: ClinVar variation 318124 (VCV000318124.12), dbSNP rs886051746, ClinGen allele CA10647084.
Genomic context (GRCh38, chr16:15,724,732, plus strand): 5'-CGCTCCAGGTTCTGCTTGGCCTCCATCTCCTCGTCCAGCTGGTCTTGCAGGCTGTTCCGC[T>A]CCTCCTCCAGCTGGCGCAGCTTCGTAGACACGTTGAGCTTCTGCCGGGTTTCTTCTTGAA-3'
Protein context (NP_002465.1, residues 1334-1354): VSTKLRQLEE[Glu1344Val]RNSLQDQLDE

ClinVar aggregate classification (germline): Uncertain significance. Review status: criteria provided, multiple submitters, no conflicts (2 of 4 stars). 4 submissions from 3 submitters: Uncertain significance (4). Last evaluated 2024-04-16.

Conditions:
Familial thoracic aortic aneurysm and aortic dissection (TAAD). Also called: Thoracic aortic aneurysms and dissections. Identifiers: Orphanet 91387, MedGen C4707243, MONDO:0019625.
Aortic aneurysm, familial thoracic 4 (AAT4). Also called: AORTIC ANEURYSM/AORTIC DISSECTION AND PATENT DUCTUS ARTERIOSUS. Identifiers: MedGen C1851504, MONDO:0007568, OMIM 132900.
Lissencephaly 4 (LIS4). Also called: Lissencephaly 4 (with microcephaly). Identifiers: Orphanet 1083, MedGen C3151461, MONDO:0013527, OMIM 614019.

Allele frequency attached by ClinVar (database versions not stated): gnomAD 0.00001; TOPMed 0.00001.
gnomAD v4.1: 1 of 1,614,016 alleles (0.000062%); highest among the groups gnomAD compares: African/African-American, 0.0013%; no homozygotes.

Submissions (4):

All of Us Research Program, National Institutes of Health
Classification: Uncertain significance for Familial thoracic aortic aneurysm and aortic dissection. Last evaluated: 2024-04-16. Review status: criteria provided, single submitter. Criteria: ACMG Guidelines, 2015. Collection method: clinical testing. Allele origin: germline. Inheritance: Autosomal dominant inheritance. Observed: 2 variant alleles, 2 heterozygotes.
Comment: This missense variant replaces glutamic acid with valine at codon 1351 of the MYH11 protein. Computational prediction suggests that this variant may have deleterious impact on protein structure and function (internally defined REVEL score threshold >= 0.7, PMID: 27666373). Splice site prediction tools suggest that this variant may not impact RNA splicing. To our knowledge, functional studies have not been performed for this variant. This variant has not been reported in individuals affected with cardiovascular disorders in the literature. This variant has not been identified in the general population by the Genome Aggregation Database (gnomAD). The available evidence is insufficient to determine the role of this variant in disease conclusively. Therefore, this variant is classified as a Variant of Uncertain Significance.

This study involves interpretation of variants in research participants for the purpose of population health screening. Participant phenotype was not available at the time of variant classification. Additional details can be found in publication PMID: 35346344, PMCID: PMC8962531

Color Diagnostics, LLC DBA Color Health
Classification: Uncertain significance for Familial thoracic aortic aneurysm and aortic dissection. Last evaluated: 2024-03-06. Review status: criteria provided, single submitter. Criteria: ACMG Guidelines, 2015. Collection method: clinical testing. Allele origin: germline.
Comment: This missense variant replaces glutamic acid with valine at codon 1351 of the MYH11 protein. Computational prediction suggests that this variant may have deleterious impact on protein structure and function (internally defined REVEL score threshold >= 0.7, PMID: 27666373). Splice site prediction tools suggest that this variant may not impact RNA splicing. To our knowledge, functional studies have not been performed for this variant. This variant has not been reported in individuals affected with cardiovascular disorders in the literature. This variant has not been identified in the general population by the Genome Aggregation Database (gnomAD). The available evidence is insufficient to determine the role of this variant in disease conclusively. Therefore, this variant is classified as a Variant of Uncertain Significance.

Illumina Laboratory Services, Illumina
Classification: Uncertain significance for Lissencephaly 4. Last evaluated: 2018-01-13. Review status: criteria provided, single submitter. Criteria: ICSL Variant Classification Criteria 13 December 2019. Collection method: clinical testing. Allele origin: germline.

Illumina Laboratory Services, Illumina
Classification: Uncertain significance for Aortic aneurysm, familial thoracic 4. Last evaluated: 2018-01-13. Review status: criteria provided, single submitter. Criteria: ICSL Variant Classification Criteria 13 December 2019. Collection method: clinical testing. Allele origin: germline.